The following is an entry in ClinVar:

ClinVar aggregate classification (germline): Uncertain significance. Review status: criteria provided, multiple submitters, no conflicts (2 of 4 stars). 2 submissions from 2 submitters: Uncertain significance (2). Last evaluated 2025-02-03.

Conditions:
Inborn genetic diseases. Identifiers: MedGen C0950123, MeSH D030342.
Transcobalamin II deficiency (TCN2D). Also called: TC II DEFICIENCY; TCN2 DEFICIENCY; Transcolabamin II deficiency. Identifiers: Orphanet 859, MedGen C0342701, MONDO:0010149, OMIM 275350.

Allele frequency attached by ClinVar (database versions not stated): gnomAD exomes below 0.00001; gnomAD 0.00001; TOPMed 0.00001.
gnomAD v4.1: 2 of 1,614,062 alleles (0.00012%); highest among the groups gnomAD compares: African/African-American, 0.0013%; no homozygotes.

Submissions (2):

Labcorp Genetics (formerly Invitae), Labcorp
Classification: Uncertain significance for Transcobalamin II deficiency. Last evaluated: 2025-02-03. Review status: criteria provided, single submitter. Criteria: Invitae Variant Classification Sherloc (09022015). Collection method: clinical testing. Allele origin: germline.
Comment: This sequence change replaces histidine, which is basic and polar, with tyrosine, which is neutral and polar, at codon 363 of the TCN2 protein (p.His363Tyr). This variant is not present in population databases (gnomAD no frequency). This variant has not been reported in the literature in individuals affected with TCN2-related conditions. ClinVar contains an entry for this variant (Variation ID: 1401596). Invitae Evidence Modeling of protein sequence and biophysical properties (such as structural, functional, and spatial information, amino acid conservation, physicochemical variation, residue mobility, and thermodynamic stability) indicates that this missense variant is not expected to disrupt TCN2 protein function with a negative predictive value of 80%. In summary, the available evidence is currently insufficient to determine the role of this variant in disease. Therefore, it has been classified as a Variant of Uncertain Significance.

Ambry Genetics
Classification: Uncertain significance for Inborn genetic diseases. Last evaluated: 2022-04-22. Review status: criteria provided, single submitter. Criteria: Ambry Variant Classification Scheme 2023. Collection method: clinical testing. Allele origin: germline.

NM_000355.4(TCN2):c.1087C>T (p.His363Tyr)

Gene: TCN2 (transcobalamin 2; plus strand). Cytogenetic location: 22q12.2.
Variant type: single nucleotide variant.
Coding change: c.1087C>T on transcript NM_000355.4 (MANE Select); coding-DNA position 1087, C replaced by T.
Protein change: p.His363Tyr; replaces histidine 363 with tyrosine.
Molecular consequence: missense variant.
Genome position (GRCh38, 1-based): chr22:30,617,476, C>T. VCF-style: chr22-30617476-C-T. GRCh37 (hg19) VCF-style: chr22-31013463-C-T.
Other names: c.1087C>T (NM_000355.3); c.1006C>T, p.His336Tyr (NM_001184726.2); short protein forms H363Y, H336Y.
Identifiers: ClinVar variation 1401596 (VCV001401596.5), dbSNP rs2087629933, ClinGen allele CA411215775.